The following is an entry in ClinVar:

NM_004370.6(COL12A1):c.1737C>T (p.Ala579=)

Gene: COL12A1 (collagen type XII alpha 1 chain; minus strand). Cytogenetic location: 6q13.
Variant type: single nucleotide variant.
Coding change: c.1737C>T on transcript NM_004370.6 (MANE Select); coding-DNA position 1737, C replaced by T.
Protein change: p.Ala579=; no amino-acid change (alanine 579 retained).
Molecular consequence: synonymous variant. On other transcripts: intron variant (1).
Genome position (GRCh38, 1-based): chr6:75,183,204, G>A on the plus strand (C>T on the coding strand, the complement: COL12A1 is on the minus strand). VCF-style: chr6-75183204-G-A. GRCh37 (hg19) VCF-style: chr6-75892920-G-A.
Other names: c.73+19516C>T (NM_080645.3).
Identifiers: ClinVar variation 706770 (VCV000706770.15), dbSNP rs780442166, ClinGen allele CA3894149.

ClinVar aggregate classification (germline): Likely benign. Review status: criteria provided, multiple submitters, no conflicts (2 of 4 stars). 4 submissions from 4 submitters: Likely benign (4). Last evaluated 2026-01-26.

Conditions:
Ullrich congenital muscular dystrophy 2 (UCMD2). Identifiers: Orphanet 75840, MedGen C4225314, MONDO:0014654, OMIM 616470.
Bethlem myopathy 2 (BTHLM2). Identifiers: Orphanet 536516, Orphanet 610, MedGen C4225313, MONDO:0034022, OMIM 616471.
COL12A1-related disorder. Also called: COL12A1-related condition.

Allele frequency attached by ClinVar (database versions not stated): ExAC 0.00002; gnomAD 0.00003; gnomAD exomes 0.00003; TOPMed 0.00006.
gnomAD v4.1: 44 of 1,614,010 alleles (0.0027%); highest among the groups gnomAD compares: East Asian, 0.011%; no homozygotes.

Submissions (4):

Labcorp Genetics (formerly Invitae), Labcorp
Classification: Likely benign for Bethlem myopathy 2; Ullrich congenital muscular dystrophy 2. Last evaluated: 2026-01-26. Review status: criteria provided, single submitter. Criteria: Invitae Variant Classification Sherloc (09022015). Collection method: clinical testing. Allele origin: germline.

PreventionGenetics, part of Exact Sciences
Classification: Likely benign for COL12A1-related condition. Last evaluated: 2026-01-09. Review status: criteria provided, single submitter. Criteria: ACMG Guidelines, 2015. Collection method: clinical testing. Allele origin: germline.
Comment: This variant is classified as likely benign based on ACMG/AMP sequence variant interpretation guidelines (Richards et al. 2015 PMID: 25741868, with internal and published modifications).

Blueprint Genetics
Classification: Likely benign. Last evaluated: 2024-11-25. Review status: criteria provided, single submitter. Criteria: ACMG Guidelines, 2015. Collection method: clinical testing. Allele origin: germline.

GeneDx
Classification: Likely benign. Last evaluated: 2021-03-23. Review status: criteria provided, single submitter. Criteria: GeneDx Variant Classification Process June 2021. Collection method: clinical testing. Allele origin: germline. Affected: yes.